The following is an entry in ClinVar:

NM_006269.2(RP1):c.4327C>T (p.Arg1443Trp)

Gene: RP1 (RP1 axonemal microtubule associated; plus strand). Cytogenetic location: 8q12.1.
Variant type: single nucleotide variant.
Coding change: c.4327C>T on transcript NM_006269.2 (MANE Select); coding-DNA position 4327, C replaced by T.
Protein change: p.Arg1443Trp; replaces arginine 1443 with tryptophan.
Molecular consequence: missense variant. On other transcripts: intron variant (1).
Genome position (GRCh38, 1-based): chr8:54,628,209, C>T. VCF-style: chr8-54628209-C-T. GRCh37 (hg19) VCF-style: chr8-55540769-C-T.
Other names: c.787+5921C>T (NM_001375654.1); short protein forms R1443W.
Identifiers: ClinVar variation 866689 (VCV000866689.12), dbSNP rs373109791, ClinGen allele CA4751845.
Genomic context (GRCh38, chr8:54,628,209, plus strand): 5'-TGTTCACTAAGGAAGTTTCAGGATGAAAATGCATATACTTCCTTTGATATGGAAGAACCA[C>T]GGACTTCTGAAGAACCAGGCTCAATAACCAACAGCATGACATCAAGTGAAAGAAACATTT-3'
Protein context (NP_006260.1, residues 1433-1453): AYTSFDMEEP[Arg1443Trp]TSEEPGSITN

ClinVar aggregate classification (germline): Conflicting classifications of pathogenicity. Review status: criteria provided, conflicting classifications (1 of 4 stars). 3 submissions from 3 submitters: Pathogenic (1); Uncertain significance (2). Last evaluated 2026-04-01.

Conditions:
RP1-related disorder. Also called: RP1-related condition.

Allele frequency attached by ClinVar (database versions not stated): TOPMed 0.00004; ExAC 0.00007; ESP Exome Variant Server 0.00008.
gnomAD v4.1: 93 of 1,613,914 alleles (0.0058%); highest among the groups gnomAD compares: Non-Finnish European, 0.0068%; no homozygotes.

Submissions (3):

PreventionGenetics, part of Exact Sciences
Classification: Uncertain significance for RP1-related condition. Last evaluated: 2026-04-01. Review status: criteria provided, single submitter. Criteria: ACMG Guidelines, 2015. Collection method: clinical testing. Allele origin: germline.
Comment: The RP1 c.4327C>T variant is predicted to result in the amino acid substitution p.Arg1443Trp. This variant has been reported in the heterozygous state in individuals with autosomal dominant retinitis pigmentosa (Table S2, Gao et al. 2019. PubMed ID: 3105428) and has been found to segregate with disease (Ma et al. 2013. PubMed ID: 23991373). An alternate missense change impacting the same amino acid position (p.Arg1443Gln) has been reported in individuals with retinitis pigmentosa (Fernandez-San Jose et al. 2015. PubMed ID: 25698705). However, the c.4327C>T, p.Arg1443Trp variant is reported in 0.010% of alleles in individuals of East Asian descent in gnomAD v2; in gnomAD v4 (available only on GRCh38), this variant is reported 93 alleles, and this allele frequency is not consistent with this variant being a primary cause of autosomal dominant disease. At this time, the clinical significance of this variant is uncertain due to the absence of conclusive functional and genetic evidence.

Labcorp Genetics (formerly Invitae), Labcorp
Classification: Pathogenic. Last evaluated: 2024-04-12. Review status: criteria provided, single submitter. Criteria: Invitae Variant Classification Sherloc (09022015). Collection method: clinical testing. Allele origin: germline.
Comment: This sequence change replaces arginine, which is basic and polar, with tryptophan, which is neutral and slightly polar, at codon 1443 of the RP1 protein (p.Arg1443Trp). This variant is present in population databases (rs373109791, gnomAD 0.01%). This missense change has been observed in individual(s) with autosomal dominant retinitis pigmentosa (PMID: 23991373). It has also been observed to segregate with disease in related individuals. ClinVar contains an entry for this variant (Variation ID: 866689). An algorithm developed to predict the effect of missense changes on protein structure and function (PolyPhen-2) suggests that this variant is likely to be disruptive. This variant disrupts the p.Arg1443 amino acid residue in RP1. Other variant(s) that disrupt this residue have been observed in individuals with RP1-related conditions (PMID: 25698705), which suggests that this may be a clinically significant amino acid residue. For these reasons, this variant has been classified as Pathogenic.

Blueprint Genetics
Classification: Uncertain significance. Last evaluated: 2022-10-27. Review status: criteria provided, single submitter. Criteria: ACMG Guidelines, 2015. Collection method: clinical testing. Allele origin: germline.

Literature cited by the submitters: PubMed 23991373 (cited by Labcorp Genetics (formerly Invitae), Labcorp); PubMed 25698705 (cited by Labcorp Genetics (formerly Invitae), Labcorp).